The following is an entry in ClinVar:

NM_173076.3(ABCA12):c.7541_7542+1del

Genes: ABCA12 (ATP binding cassette subfamily A member 12; minus strand), SNHG31 (small nucleolar RNA host gene 31; plus strand). Cytogenetic location: 2q35.
Variant type: Deletion.
Coding change: c.7541_7542+1del on transcript NM_173076.3 (MANE Select); coding-DNA position 7541 through the canonical splice donor site of the intron after coding-DNA position 7542, 3 bases deleted (AAG; older notation c.7541_7542+1delAAG).
Molecular consequence: splice donor variant.
Genome position (GRCh38, 1-based): chr2:214,937,509-214,937,511, CTT deleted on the plus strand (AAG on the coding strand, the reverse complement: ABCA12 is on the minus strand). VCF-style (leftmost placement, unchanged base first): chr2-214937508-ACTT-A. GRCh37 (hg19) VCF-style: chr2-215802232-ACTT-A.
Other names: c.6587_6588+1del (NM_015657.4).
Identifiers: ClinVar variation 4766410 (VCV004766410.1).
Genomic context (GRCh38, chr2:214,937,508, plus strand): 5'-TCGGACTCCCAAAGTGCTGGGATTACAGGCGTGAGCCACTGCACCCAGCCATCATCACTT[ACTT>A]TTAAGTATGTTTTTGGAAAGTGCAGCTGCATGAACTTTGTGAGGGTCTCCATGGTCACTT-3'

ClinVar aggregate classification (germline): Likely pathogenic (1 of 4 stars; one submission).

Submission:

Labcorp Genetics (formerly Invitae), Labcorp
Classification: Likely pathogenic. Last evaluated: 2026-01-13. Review status: criteria provided, single submitter. Criteria: Invitae Variant Classification Sherloc (09022015). Collection method: clinical testing. Allele origin: germline.
Comment: This sequence change affects a splice site in intron 51 of the ABCA12 gene. It is expected to disrupt RNA splicing. Variants that disrupt the donor or acceptor splice site typically lead to a loss of protein function (PMID: 16199547), and loss-of-function variants in ABCA12 are known to be pathogenic (PMID: 20672373). This variant is present in population databases (rs747746998, gnomAD 0.007%). This variant has not been reported in the literature in individuals affected with ABCA12-related conditions. In summary, the currently available evidence indicates that the variant is pathogenic, but additional data are needed to prove that conclusively. Therefore, this variant has been classified as Likely Pathogenic.

Literature cited by the submitters: PubMed 16199547; PubMed 20672373.